The following is an entry in ClinVar:

ClinVar aggregate classification (germline): Benign (0 of 4 stars; one submission).

Conditions:
TAS2R16-related disorder. Also called: TAS2R16-related condition.

Allele frequency attached by ClinVar (database versions not stated): gnomAD exomes 0.04955; ExAC 0.06343; 1000 Genomes Project 0.10004; 1000 Genomes Project 30x 0.10634; gnomAD 0.11302; TOPMed 0.11883; ESP Exome Variant Server 0.12402.
gnomAD v4.1: 88,564 of 1,591,196 alleles (5.6%); highest among the groups gnomAD compares: African/African-American, 29%; 4,886 homozygotes.

Submission:

PreventionGenetics, part of Exact Sciences
Classification: Benign for TAS2R16-related condition. Last evaluated: 2019-11-20. Review status: no assertion criteria provided. Collection method: clinical testing. Allele origin: germline.
Comment: This variant is classified as benign based on ACMG/AMP sequence variant interpretation guidelines (Richards et al. 2015 PMID: 25741868, with internal and published modifications).

NM_016945.3(TAS2R16):c.846G>A (p.Thr282=)

Gene: TAS2R16 (taste 2 receptor member 16; minus strand). Cytogenetic location: 7q31.32.
Variant type: single nucleotide variant.
Coding change: c.846G>A on transcript NM_016945.3 (MANE Select); coding-DNA position 846, G replaced by A.
Protein change: p.Thr282=; no amino-acid change (threonine 282 retained).
Molecular consequence: synonymous variant.
Genome position (GRCh38, 1-based): chr7:122,994,789, C>T on the plus strand (G>A on the coding strand, the complement: TAS2R16 is on the minus strand). VCF-style: chr7-122994789-C-T. GRCh37 (hg19) VCF-style: chr7-122634843-C-T.
Identifiers: ClinVar variation 3055321 (VCV003055321.2), dbSNP rs1204014, ClinGen allele CA4460661.
Genomic context (GRCh38, chr7:122,994,789, plus strand): 5'-TTTATCCTGTGCCTCAGGCAACCTCTAGGCCTAGCACTTTCCCTTTAGAATCCTTTTCAA[C>T]GTAGGGCTGCTCAGCATCAGTGAAGTGGAATGCATTAAGATGAAAGCATAGACAAAAGCT-3'
Protein context (NP_058641.1, residues 272-291): HSTSLMLSSP[Thr282=]LKRILKGKC